The following is an entry in ClinVar:

ClinVar aggregate classification (germline): Uncertain significance (1 of 4 stars; one submission).

Submission:

Women's Health and Genetics/Laboratory Corporation of America, LabCorp
Classification: Uncertain significance. Last evaluated: 2024-09-24. Review status: criteria provided, single submitter. Criteria: LabCorp Variant Classification Summary - May 2015. Collection method: clinical testing. Allele origin: germline.
Comment: Variant summary: ABCC8 c.2691C>G (p.Asp897Glu) results in a conservative amino acid change located in the ABC transporter-like, ATP-binding domain (IPR003439) of the encoded protein sequence. Four of five in-silico tools predict a damaging effect of the variant on protein function. The variant was absent in 251350 control chromosomes (gnomAD). The available data on variant occurrences in the general population are insufficient to allow any conclusion about variant significance. c.2691C>G has been reported in the literature in individuals affected with Congenital Hyperinsulinism (example: Gubaeva_2019). This report does not provide unequivocal conclusions about association of the variant with Congenital Hyperinsulinism. To our knowledge, no experimental evidence demonstrating an impact on protein function has been reported. The following publication has been ascertained in the context of this evaluation (PMID: 32202736). No submitters have cited clinical-significance assessments for this variant to ClinVar. Based on the evidence outlined above, the variant was classified as uncertain significance.

Literature cited by the submitters: PubMed 32202736.

NM_000352.6(ABCC8):c.2691C>G (p.Asp897Glu)

Gene: ABCC8 (ATP binding cassette subfamily C member 8; minus strand). Cytogenetic location: 11p15.1.
Variant type: single nucleotide variant.
Coding change: c.2691C>G on transcript NM_000352.6 (MANE Select); coding-DNA position 2691, C replaced by G.
Protein change: p.Asp897Glu; replaces aspartic acid 897 with glutamic acid.
Molecular consequence: missense variant. On other transcripts: non-coding transcript variant (1).
Genome position (GRCh38, 1-based): chr11:17,410,519, G>C on the plus strand (C>G on the coding strand, the complement: ABCC8 is on the minus strand). VCF-style: chr11-17410519-G-C. GRCh37 (hg19) VCF-style: chr11-17432066-G-C.
Other names: c.2694C>G, p.Asp898Glu (NM_001287174.3); c.2757C>G, p.Asp919Glu (NM_001351295.2); c.2691C>G, p.Asp897Glu (NM_001351296.2); c.2688C>G, p.Asp896Glu (NM_001351297.2); short protein forms D896E, D897E, D898E, D919E.
Identifiers: ClinVar variation 3375246 (VCV003375246.1).
Genomic context (GRCh38, chr11:17,410,519, plus strand): 5'-GCCTGACAGCCTCCCCAGCCCTGCCCCCTATAGCCTGACCCCCTTGTTCCCCCTCACCCA[G>C]TCTGCATGGGGCAGGTACTGTAGCTTGTGGGTCACTAAGACCACTGTCCTCTTGTCGTCC-3'
Protein context (NP_000343.2, residues 887-907): THKLQYLPHA[Asp897Glu]WIIAMKDGTI